The following is an entry in ClinVar:

ClinVar aggregate classification (germline): Benign/Likely benign. Review status: criteria provided, multiple submitters, no conflicts (2 of 4 stars). 2 submissions from 2 submitters: Benign (1); Likely benign (1). Last evaluated 2025-01-29.

Conditions:
Hereditary nonpolyposis colorectal neoplasms. Identifiers: MedGen C0009405, MeSH D003123.
Lynch syndrome 4 (LYNCH4). Also called: Hereditary non-polyposis colorectal cancer, type 4; Colorectal cancer, hereditary nonpolyposis, type 4. Identifiers: Orphanet 144, MedGen C1838333, MONDO:0013699, OMIM 614337. Disease mechanism: loss of function.

Submissions (2):

Myriad Genetics, Inc.
Classification: Benign for Lynch syndrome 4. Last evaluated: 2025-01-29. Review status: criteria provided, single submitter. Criteria: Myriad Autosomal Dominant, Autosomal Recessive and X-Linked Classification Criteria (2023). Collection method: clinical testing. Allele origin: unknown.
Comment: This variant is considered benign. This variant is a silent/synonymous amino acid change and it is not expected to impact splicing.

Labcorp Genetics (formerly Invitae), Labcorp
Classification: Likely benign for Hereditary nonpolyposis colorectal neoplasms. Last evaluated: 2024-06-11. Review status: criteria provided, single submitter. Criteria: Invitae Variant Classification Sherloc (09022015). Collection method: clinical testing. Allele origin: germline.

NM_000535.7(PMS2):c.948C>T (p.His316=)

Gene: PMS2 (PMS1 homolog 2, mismatch repair system component; minus strand). Cytogenetic location: 7p22.1.
Variant type: single nucleotide variant.
Coding change: c.948C>T on transcript NM_000535.7 (MANE Select); coding-DNA position 948, C replaced by T.
Protein change: p.His316=; no amino-acid change (histidine 316 retained).
Molecular consequence: synonymous variant. On other transcripts: non-coding transcript variant (1), intron variant (1).
Genome position (GRCh38, 1-based): chr7:5,992,013, G>A on the plus strand (C>T on the coding strand, the complement: PMS2 is on the minus strand). VCF-style: chr7-5992013-G-A. GRCh37 (hg19) VCF-style: chr7-6031644-G-A.
Other names: c.543C>T, p.His181= (NM_001322003.2, NM_001322004.2, NM_001322005.2 and 19 more transcripts); c.948C>T, p.His316= (NM_001322006.2, NM_001322014.2, NM_001406870.1 and 2 more transcripts); c.630C>T, p.His210= (NM_001322007.2, NM_001322008.2, NM_001406876.1 and 4 more transcripts); c.15C>T, p.His5= (NM_001322011.2, NM_001322012.2); c.375C>T, p.His125= (NM_001322013.2, NM_001406909.1); c.639C>T, p.His213= (NM_001322015.2, NM_001406875.1, NM_001406877.1 and 6 more transcripts); c.1134C>T, p.His378= (NM_001406866.1); c.972C>T, p.His324= (NM_001406868.1); and 8 more.
Identifiers: ClinVar variation 3655475 (VCV003655475.3).
Genomic context (GRCh38, chr7:5,992,013, plus strand): 5'-GAAATGCCAATGGAACTTACCTGAATCAACAGAAATGTTAAGAACAACAAATGGATACTG[G>A]TGTCGATTATACATGTGGTAGACCTCATTCACGAGTCTGCAGACCTGCACAAAATACAAG-3'
Protein context (NP_000526.2, residues 306-326): VNEVYHMYNR[His316=]QYPFVVLNIS